The following is an entry in ClinVar:

NM_000523.4(HOXD13):c.192_209del (p.Ala66_Ala71del)

Gene: HOXD13 (homeobox D13; plus strand). Cytogenetic location: 2q31.1.
Variant type: Deletion.
Coding change: c.192_209del on transcript NM_000523.4 (MANE Select); coding-DNA positions 192 to 209, 18 bases deleted (TGCGGCGGCGGCGGCGGC).
Protein change: p.Ala66_Ala71del.
Molecular consequence: inframe deletion.
Genome position (GRCh38, 1-based): chr2:176,093,082-176,093,099, TGCGGCGGCGGCGGCGGC deleted; deleting any 18 consecutive bases within chr2:176,093,074-176,093,099 gives the same sequence; the c. name uses the placement nearest the transcript's 3' end. VCF-style (leftmost placement, unchanged base first): chr2-176093073-AGCGGCGGCTGCGGCGGCG-A. GRCh37 (hg19) VCF-style: chr2-176957801-AGCGGCGGCTGCGGCGGCG-A.
Identifiers: ClinVar variation 2146416 (VCV002146416.4), dbSNP rs769098325, ClinGen allele CA1976523.
Genomic context (GRCh38, chr2:176,093,073, plus strand): 5'-CGGCTTTCTCTCCGCGCCTGTGTTCGCCGGGACGCATTCGGGGCGGGCGGCGGCGGCGGC[AGCGGCGGCTGCGGCGGCG>A]GCGGCGGCAGCCTCCGGCTTTGCGTACCCCGGGACCTCTGAGCGCACGGGCTCTTCCTCG-3'

ClinVar aggregate classification (germline): Uncertain significance (1 of 4 stars; one submission).

Submission:

Labcorp Genetics (formerly Invitae), Labcorp
Classification: Uncertain significance. Last evaluated: 2022-01-04. Review status: criteria provided, single submitter. Criteria: Invitae Variant Classification Sherloc (09022015). Collection method: clinical testing. Allele origin: germline.
Comment: In summary, the available evidence is currently insufficient to determine the role of this variant in disease. Therefore, it has been classified as a Variant of Uncertain Significance. This variant disrupts a region of the HOXD13 protein in which other variant(s) (p.Ala68_Ala71del) have been observed in individuals with HOXD13-related conditions (PMID: 18399101). This suggests that this is a clinically significant region of the protein, and that variants that disrupt it are likely to be disease-causing. Experimental studies and prediction algorithms are not available or were not evaluated, and the functional significance of this variant is currently unknown. This variant has not been reported in the literature in individuals affected with HOXD13-related conditions. The frequency data for this variant in the population databases is considered unreliable, as metrics indicate poor data quality at this position in the gnomAD database. This variant, c.192_209del, results in the deletion of 6 amino acid(s) of the HOXD13 protein (p.Ala66_Ala71del), but otherwise preserves the integrity of the reading frame.

Literature cited by the submitters: PubMed 18399101.